The following is an entry in ClinVar:

NM_000540.3(RYR1):c.5162G>A (p.Ser1721Asn)

Gene: RYR1 (ryanodine receptor 1; plus strand). Cytogenetic location: 19q13.2.
Variant type: single nucleotide variant.
Coding change: c.5162G>A on transcript NM_000540.3 (MANE Select); coding-DNA position 5162, G replaced by A.
Protein change: p.Ser1721Asn; replaces serine 1721 with asparagine.
Molecular consequence: missense variant.
Genome position (GRCh38, 1-based): chr19:38,485,817, G>A. VCF-style: chr19-38485817-G-A. GRCh37 (hg19) VCF-style: chr19-38976457-G-A.
Other names: c.5162G>A, p.Ser1721Asn (NM_001042723.2); short protein forms S1721N.
Identifiers: ClinVar variation 4883555 (VCV004883555.2).

ClinVar aggregate classification (germline): Uncertain significance (1 of 4 stars; one submission).

gnomAD v4.1: 1 of 1,613,406 alleles (0.000062%); highest among the groups gnomAD compares: Non-Finnish European, 0.000085%; no homozygotes.

Submission:

Dasa
Classification: Uncertain significance. Last evaluated: 2025-09-22. Review status: criteria provided, single submitter. Criteria: DASA Assertion Criteria. Collection method: clinical testing. Allele origin: germline.
Comment: NM_000540.3(RYR1):c.5162G>A (p.Ser1721Asn) is a missense variant that results in the substitution of serine with asparagine. This variant is rare in population databases. The currently available literature and clinical evidence are not sufficient to establish a definitive association between this variant and the reported condition. Therefore, this variant is classified as a variant of uncertain significance.